The following is an entry in ClinVar:

ClinVar aggregate classification (germline): Likely benign (0 of 4 stars; one submission).

Conditions:
GLI2-related disorder. Also called: GLI2-related disorders; GLI2-related condition.

Submission:

PreventionGenetics, part of Exact Sciences
Classification: Likely benign for GLI2-related condition. Last evaluated: 2022-02-23. Review status: no assertion criteria provided. Collection method: clinical testing. Allele origin: germline.
Comment: This variant is classified as likely benign based on ACMG/AMP sequence variant interpretation guidelines (Richards et al. 2015 PMID: 25741868, with internal and published modifications).

NM_001374353.1(GLI2):c.2805G>C (p.Gly935=)

Gene: GLI2 (GLI family zinc finger 2; plus strand). Cytogenetic location: 2q14.2.
Variant type: single nucleotide variant.
Coding change: c.2805G>C on transcript NM_001374353.1 (MANE Select); coding-DNA position 2805, G replaced by C.
Protein change: p.Gly935=; no amino-acid change (glycine 935 retained).
Molecular consequence: synonymous variant.
Genome position (GRCh38, 1-based): chr2:120,988,770, G>C. VCF-style: chr2-120988770-G-C. GRCh37 (hg19) VCF-style: chr2-121746346-G-C.
Other names: c.2856G>C, p.Gly952= (NM_001371271.1, NM_005270.5); c.2430G>C, p.Gly810= (NM_001374354.1).
Identifiers: ClinVar variation 3029703 (VCV003029703.2), dbSNP rs2467772109, ClinGen allele CA428749430.
Genomic context (GRCh38, chr2:120,988,770, plus strand): 5'-ACGCCCACTGGGGCCGCGGCGTGGCAGCGACGGGCCGACCTATGGCCACGGCCACGCGGG[G>C]GCTGCGCCCGCCTTCCCCCACGAGGCTCCAGGCGGCGGAGCCAGGCGGGCCAGCGACCCT-3'
Protein context (NP_001361282.1, residues 925-945): DGPTYGHGHA[Gly935=]AAPAFPHEAP